The following is an entry in ClinVar:

NM_002691.4(POLD1):c.2006G>T (p.Arg669Met)

Gene: POLD1 (DNA polymerase delta 1, catalytic subunit; plus strand). Cytogenetic location: 19q13.33.
Variant type: single nucleotide variant.
Coding change: c.2006G>T on transcript NM_002691.4 (MANE Select); coding-DNA position 2006, G replaced by T.
Protein change: p.Arg669Met; replaces arginine 669 with methionine.
Molecular consequence: missense variant. On other transcripts: non-coding transcript variant (1).
Genome position (GRCh38, 1-based): chr19:50,409,235, G>T. VCF-style: chr19-50409235-G-T. GRCh37 (hg19) VCF-style: chr19-50912492-G-T.
Other names: c.2006G>T, p.Arg669Met (NM_001256849.1); c.2084G>T, p.Arg695Met (NM_001308632.1); short protein forms R669M, R695M.
Identifiers: ClinVar variation 2769390 (VCV002769390.3), dbSNP rs2514016082, ClinGen allele CA406982421.
Genomic context (GRCh38, chr19:50,409,235, plus strand): 5'-CCTCAGTGCGGAAGGGGCTGCTGCCCCAGATCCTGGAGAACCTGCTCAGTGCCCGGAAGA[G>T]GTGAGCCCTGGAGATCGCCTGCTTGGAGCTCAGACCTGTTGGGGCCTCTGGGCAATCCCT-3'
Protein context (NP_002682.2, residues 659-679): ILENLLSARK[Arg669Met]AKAELAKETD

ClinVar aggregate classification (germline): Uncertain significance (1 of 4 stars; one submission).

Conditions:
POLD1-related polyposis and colorectal cancer syndrome (CRCS10). Also called: Colorectal cancer 10; Colorectal cancer, susceptibility to, 10; COLORECTAL CANCER, SUSCEPTIBILITY TO, ON CHROMOSOME 19q. Identifiers: Orphanet 220460, MedGen C2675481, MONDO:0012953, OMIM 612591.

Submission:

Labcorp Genetics (formerly Invitae), Labcorp
Classification: Uncertain significance for POLD1-related polyposis and colorectal cancer syndrome. Last evaluated: 2024-04-08. Review status: criteria provided, single submitter. Criteria: Invitae Variant Classification Sherloc (09022015). Collection method: clinical testing. Allele origin: germline.
Comment: This sequence change replaces arginine, which is basic and polar, with methionine, which is neutral and non-polar, at codon 669 of the POLD1 protein (p.Arg669Met). This variant also falls at the last nucleotide of exon 16, which is part of the consensus splice site for this exon. This variant is not present in population databases (gnomAD no frequency). This variant has not been reported in the literature in individuals affected with POLD1-related conditions. An algorithm developed to predict the effect of missense changes on protein structure and function (PolyPhen-2) suggests that this variant is likely to be disruptive. Variants that disrupt the consensus splice site are a relatively common cause of aberrant splicing (PMID: 17576681, 9536098). Algorithms developed to predict the effect of sequence changes on RNA splicing suggest that this variant may disrupt the consensus splice site. In summary, the available evidence is currently insufficient to determine the role of this variant in disease. Therefore, it has been classified as a Variant of Uncertain Significance.

Literature cited by the submitters: PubMed 17576681; PubMed 9536098.